The following is an entry in ClinVar:

ClinVar aggregate classification (germline): Pathogenic (1 of 4 stars; one submission).

Conditions:
Ataxia-telangiectasia syndrome (AT). Also called: Cerebello-oculocutaneous telangiectasia; Immunodeficiency with ataxia telangiectasia; ATAXIA-TELANGIECTASIA, FRESNO VARIANT; Ataxia-telangiectasia, complementation group D; Ataxia telangiectasia (A-T); LOUIS-BAR SYNDROME. Identifiers: Orphanet 100, MedGen C0004135, MONDO:0008840, OMIM 208900.

Submission:

Labcorp Genetics (formerly Invitae), Labcorp
Classification: Pathogenic for Ataxia-telangiectasia syndrome. Last evaluated: 2020-06-09. Review status: criteria provided, single submitter. Criteria: Invitae Variant Classification Sherloc (09022015). Collection method: clinical testing. Allele origin: germline.
Comment: For these reasons, this variant has been classified as Pathogenic. Loss-of-function variants in ATM are known to be pathogenic (PMID: 23807571, 25614872). This variant has not been reported in the literature in individuals with ATM-related conditions. This variant is an out-of-frame deletion of the genomic region encompassing exon(s) 27-29 of the ATM gene. This is expected to create a premature translational stop signal and result in an absent or disrupted protein product.

Literature cited by the submitters: PubMed 23807571; PubMed 25614872.

NC_000011.9:g.(?_108158168)_(108160538_?)del

Gene: ATM (ATM serine/threonine kinase; plus strand). Cytogenetic location: 11q22.3.
Variant type: Deletion.
Identifiers: ClinVar variation 1075719 (VCV001075719.3).